The following is an entry in ClinVar:

ClinVar aggregate classification (germline): Benign. Review status: criteria provided, multiple submitters, no conflicts (2 of 4 stars). 2 submissions from 2 submitters: Benign (2). Last evaluated 2026-02-04.

Conditions:
Sulfite oxidase deficiency due to molybdenum cofactor deficiency type A. Also called: Molybdenum Cofactor Deficiency A; Molybdenum cofactor deficiency, complementation group A. Identifiers: Orphanet 308386, Orphanet 833, MedGen C1854988, MONDO:0009643, OMIM 252150.

Allele frequency attached by ClinVar (database versions not stated): gnomAD exomes 0.01766 and 0.02149; ExAC 0.02268; 1000 Genomes Project 30x 0.03701; gnomAD 0.03705 and 0.03810; 1000 Genomes Project 0.03774; ESP Exome Variant Server 0.03983; TOPMed 0.04085.
gnomAD v4.1: 31,692 of 1,613,754 alleles (2%); highest among the groups gnomAD compares: African/African-American, 9.2%; 650 homozygotes.

Submissions (2):

Labcorp Genetics (formerly Invitae), Labcorp
Classification: Benign for Sulfite oxidase deficiency due to molybdenum cofactor deficiency type A. Last evaluated: 2026-02-04. Review status: criteria provided, single submitter. Criteria: Invitae Variant Classification Sherloc (09022015). Collection method: clinical testing. Allele origin: germline.

Illumina Laboratory Services, Illumina
Classification: Benign for Sulfite oxidase deficiency due to molybdenum cofactor deficiency type A. Last evaluated: 2018-01-12. Review status: criteria provided, single submitter. Criteria: ICSL Variant Classification Criteria 13 December 2019. Collection method: clinical testing. Allele origin: germline.
Comment: This variant was observed in the ICSL laboratory as part of a predisposition screen in an ostensibly healthy population. It had not been previously curated by ICSL or reported in the Human Gene Mutation Database (HGMD: prior to June 1st, 2018), and was therefore a candidate for classification through an automated scoring system. Utilizing variant allele frequency, disease prevalence and penetrance estimates, and inheritance mode, an automated score was calculated to assess if this variant is too frequent to cause the disease. Based on the score and internal cut-off values, a variant classified as benign is not then subjected to further curation. The score for this variant resulted in a classification of benign for this disease.

NM_001358530.2(MOCS1):c.1800C>T (p.Ala600=)

Gene: MOCS1 (molybdenum cofactor synthesis 1; minus strand). Cytogenetic location: 6p21.2.
Variant type: single nucleotide variant.
Coding change: c.1800C>T on transcript NM_001358530.2 (MANE Select); coding-DNA position 1800, C replaced by T.
Protein change: p.Ala600=; no amino-acid change (alanine 600 retained).
Molecular consequence: synonymous variant. On other transcripts: 3 prime UTR variant (4), non-coding transcript variant (1).
Genome position (GRCh38, 1-based): chr6:39,906,468, G>A on the plus strand (C>T on the coding strand, the complement: MOCS1 is on the minus strand). VCF-style: chr6-39906468-G-A. GRCh37 (hg19) VCF-style: chr6-39874244-G-A.
Other names: c.*657C>T (NM_001075098.4, NM_001358533.2, NM_001358534.2 and 1 more transcripts); c.1752C>T, p.Ala584= (NM_001358529.2); c.1539C>T, p.Ala513= (NM_001358531.2).
Identifiers: ClinVar variation 356640 (VCV000356640.12), dbSNP rs41273138, ClinGen allele CA3795888.